The following is an entry in ClinVar:

NM_000501.4(ELN):c.1024C>G (p.Pro342Ala)

Gene: ELN (elastin; plus strand). Cytogenetic location: 7q11.23.
Variant type: single nucleotide variant.
Coding change: c.1024C>G on transcript NM_000501.4 (MANE Select); coding-DNA position 1024, C replaced by G.
Protein change: p.Pro342Ala; replaces proline 342 with alanine.
Molecular consequence: missense variant.
Genome position (GRCh38, 1-based): chr7:74,053,237, C>G. VCF-style: chr7-74053237-C-G. GRCh37 (hg19) VCF-style: chr7-73467567-C-G.
Other names: c.994C>G, p.Pro332Ala (NM_001081752.3, NM_001278917.2); c.1039C>G, p.Pro347Ala (NM_001081753.3, NM_001081754.3); c.1024C>G, p.Pro342Ala (NM_001081755.3, NM_001278912.2, NM_001278915.2 and 1 more transcripts); c.916C>G, p.Pro306Ala (NM_001278913.2); c.1009C>G, p.Pro337Ala (NM_001278914.2); c.982C>G, p.Pro328Ala (NM_001278916.2); c.892C>G, p.Pro298Ala (NM_001278918.2); short protein forms P298A, P328A, P337A, P342A, P306A, P347A, P332A.
Identifiers: ClinVar variation 1910502 (VCV001910502.5), dbSNP rs2485890649, ClinGen allele CA367871879.

ClinVar aggregate classification (germline): Uncertain significance (1 of 4 stars; one submission).

Conditions:
Supravalvar aortic stenosis (SVAS). Also called: Supravalvar aortic stenosis, Eisenberg type. Identifiers: Orphanet 3193, MedGen C0003499, MONDO:0008504, OMIM 185500, HP:0004381.

Submission:

Labcorp Genetics (formerly Invitae), Labcorp
Classification: Uncertain significance for Supravalvar aortic stenosis. Last evaluated: 2022-02-03. Review status: criteria provided, single submitter. Criteria: Invitae Variant Classification Sherloc (09022015). Collection method: clinical testing. Allele origin: germline.
Comment: In summary, the available evidence is currently insufficient to determine the role of this variant in disease. Therefore, it has been classified as a Variant of Uncertain Significance. Algorithms developed to predict the effect of missense changes on protein structure and function are either unavailable or do not agree on the potential impact of this missense change (SIFT: "Deleterious"; PolyPhen-2: "Not Available"; Align-GVGD: "Class C0"). This variant has not been reported in the literature in individuals affected with ELN-related conditions. This variant is not present in population databases (gnomAD no frequency). This sequence change replaces proline, which is neutral and non-polar, with alanine, which is neutral and non-polar, at codon 342 of the ELN protein (p.Pro342Ala).